The following is an entry in ClinVar:

NM_001032386.2(SUOX):c.1281_1282inv (p.Ala428Pro)

Gene: SUOX (sulfite oxidase; plus strand). Cytogenetic location: 12q13.2.
Variant type: Inversion.
Coding change: c.1281_1282inv on transcript NM_001032386.2 (MANE Select).
Protein change: p.Ala428Pro; replaces alanine 428 with proline.
Molecular consequence: missense variant.
Genome position: GRCh38 VCF-style: chr12-56004670-GG-CC. GRCh37 (hg19) VCF-style: chr12-56398454-GG-CC.
Other names: c.1281_1282inv, p.Ala428Pro (NM_000456.3, NM_001032387.2); short protein forms A428P.
Identifiers: ClinVar variation 2013652 (VCV002013652.4), ClinGen allele CA2580086510.

ClinVar aggregate classification (germline): Uncertain significance (1 of 4 stars; one submission).

Conditions:
Sulfite oxidase deficiency. Also called: Isolated sulfite oxidase deficiency. Identifiers: Orphanet 833, Orphanet 99731, MedGen C0268624, MONDO:0010089, OMIM 272300, HP:0003643.

Submission:

Labcorp Genetics (formerly Invitae), Labcorp
Classification: Uncertain significance for Sulfite oxidase deficiency. Last evaluated: 2022-07-03. Review status: criteria provided, single submitter. Criteria: Invitae Variant Classification Sherloc (09022015). Collection method: clinical testing. Allele origin: germline.
Comment: In summary, the available evidence is currently insufficient to determine the role of this variant in disease. Therefore, it has been classified as a Variant of Uncertain Significance. Experimental studies and prediction algorithms are not available or were not evaluated, and the functional significance of this variant is currently unknown. This variant has not been reported in the literature in individuals affected with SUOX-related conditions. Information on the frequency of this variant in the gnomAD database is not available, as this variant may be reported differently in the database. This sequence change replaces alanine, which is neutral and non-polar, with proline, which is neutral and non-polar, at codon 428 of the SUOX protein (p.Ala428Pro).